The following is an entry in ClinVar:

ClinVar aggregate classification (germline): Uncertain significance (1 of 4 stars; one submission).

Submission:

GeneDx
Classification: Uncertain significance. Last evaluated: 2023-03-16. Review status: criteria provided, single submitter. Criteria: GeneDx Variant Classification Process June 2021. Collection method: clinical testing. Allele origin: germline. Affected: yes.
Comment: Reported in trans with another variant in CDON in siblings with isolated coloboma (Reis et al., 2020); Not observed at significant frequency in large population cohorts (gnomAD); Canonical splice site variant in a gene or region of a gene for which loss of function is not a well-established mechanism of disease; This variant is associated with the following publications: (PMID: 32729136)

NM_001378964.1(CDON):c.2650+1G>T

Gene: CDON (cell adhesion associated, oncogene regulated; minus strand). Cytogenetic location: 11q24.2.
Variant type: single nucleotide variant.
Coding change: c.2650+1G>T on transcript NM_001378964.1 (MANE Select); the canonical splice donor site of the intron after coding-DNA position 2650, G replaced by T.
Molecular consequence: splice donor variant.
Genome position (GRCh38, 1-based): chr11:125,994,283, C>A on the plus strand (G>T on the coding strand, the complement: CDON is on the minus strand). VCF-style: chr11-125994283-C-A. GRCh37 (hg19) VCF-style: chr11-125864178-C-A.
Other names: c.2650+1G>T (NM_001441166.1, NM_016952.6, NM_001243597.3 and 5 more transcripts).
Identifiers: ClinVar variation 2580088 (VCV002580088.1), dbSNP rs1946712744, ClinGen allele CA383203268.